The following is an entry in ClinVar:

ClinVar aggregate classification (germline): Uncertain significance (1 of 4 stars; one submission).

Allele frequency attached by ClinVar (database versions not stated): gnomAD exomes below 0.00001.
gnomAD v4.1: 2 of 1,614,140 alleles (0.00012%); highest among the groups gnomAD compares: Non-Finnish European, 0.00017%; no homozygotes.

Submission:

GeneDx
Classification: Uncertain significance. Last evaluated: 2022-08-12. Review status: criteria provided, single submitter. Criteria: GeneDx Variant Classification Process June 2021. Collection method: clinical testing. Allele origin: germline. Affected: yes.
Comment: Not observed at significant frequency in large population cohorts (gnomAD); In silico analysis supports that this missense variant does not alter protein structure/function; Has not been previously published as pathogenic or benign to our knowledge

NM_024596.5(MCPH1):c.1558C>G (p.Pro520Ala)

Gene: MCPH1 (microcephalin 1; plus strand). Cytogenetic location: 8p23.1.
Variant type: single nucleotide variant.
Coding change: c.1558C>G on transcript NM_024596.5 (MANE Select); coding-DNA position 1558, C replaced by G.
Protein change: p.Pro520Ala; replaces proline 520 with alanine.
Molecular consequence: missense variant. On other transcripts: non-coding transcript variant (1).
Genome position (GRCh38, 1-based): chr8:6,445,280, C>G. VCF-style: chr8-6445280-C-G. GRCh37 (hg19) VCF-style: chr8-6302801-C-G.
Other names: c.1558C>G, p.Pro520Ala (NM_001172574.2, NM_001322042.2, NM_001363979.1 and 3 more transcripts); c.1414C>G, p.Pro472Ala (NM_001172575.2); c.1552C>G, p.Pro518Ala (NM_001322043.2); c.1456C>G, p.Pro486Ala (NM_001322045.2); short protein forms P472A, P486A, P518A, P520A.
Identifiers: ClinVar variation 2429702 (VCV002429702.1), dbSNP rs2486156430, ClinGen allele CA370221883.